The following is an entry in ClinVar:

ClinVar aggregate classification (germline): Uncertain significance. Review status: criteria provided, multiple submitters, no conflicts (2 of 4 stars). 2 submissions from 2 submitters: Uncertain significance (2). Last evaluated 2025-11-05.

Conditions:
Inborn genetic diseases. Identifiers: MedGen C0950123, MeSH D030342.

gnomAD v4.1: 6 of 1,613,682 alleles (0.00037%); highest among the groups gnomAD compares: Non-Finnish European, 0.00042%; no homozygotes.

Submissions (2):

Ambry Genetics
Classification: Uncertain significance for Inborn genetic diseases. Last evaluated: 2025-11-05. Review status: criteria provided, single submitter. Criteria: Ambry Variant Classification Scheme 2023. Collection method: clinical testing. Allele origin: germline.

GeneDx
Classification: Uncertain significance. Last evaluated: 2024-10-30. Review status: criteria provided, single submitter. Criteria: GeneDx Variant Classification Process June 2021. Collection method: clinical testing. Allele origin: germline.
Comment: Not observed at significant frequency in large population cohorts (gnomAD); In silico analysis supports that this missense variant has a deleterious effect on protein structure/function; Has not been previously published as pathogenic or benign to our knowledge

NM_013339.4(ALG6):c.497A>G (p.Tyr166Cys)

Gene: ALG6 (ALG6 alpha-1,3-glucosyltransferase; plus strand). Cytogenetic location: 1p31.3.
Variant type: single nucleotide variant.
Coding change: c.497A>G on transcript NM_013339.4 (MANE Select); coding-DNA position 497, A replaced by G.
Protein change: p.Tyr166Cys; replaces tyrosine 166 with cysteine.
Molecular consequence: missense variant.
Genome position (GRCh38, 1-based): chr1:63,411,148, A>G. VCF-style: chr1-63411148-A-G. GRCh37 (hg19) VCF-style: chr1-63876819-A-G.
Other names: short protein forms Y166C.
Identifiers: ClinVar variation 3365678 (VCV003365678.3).
Genomic context (GRCh38, chr1:63,411,148, plus strand): 5'-TTTAAAAGCTCTATCTTTTTAAAAGATTATTGAGATAATTTCCTTGACACAGGAACATAT[A>G]TAATTCTGTGAGTCTTGGCTTTGCTTTGTGGGGTGTTCTTGGAATATCTTGTGACTGCGA-3'
Protein context (NP_037471.2, residues 156-176): LILIDYGHFQ[Tyr166Cys]NSVSLGFALW